The following is an entry in ClinVar:

ClinVar aggregate classification (germline): Conflicting classifications of pathogenicity. Review status: criteria provided, conflicting classifications (1 of 4 stars). 7 submissions from 7 submitters: Uncertain significance (3); Likely benign (4). Last evaluated 2026-01-21.

Conditions:
RELN-related disorder. Also called: RELN-related condition.
Norman-Roberts syndrome (LIS2). Also called: Lissencephaly 2 (Norman-Roberts type). Identifiers: Orphanet 89844, MedGen C0796089, MONDO:0009760, OMIM 257320.
Familial temporal lobe epilepsy 7. Identifiers: Orphanet 101046, MedGen C4225327, MONDO:0014639, OMIM 616436.

Allele frequency attached by ClinVar (database versions not stated): gnomAD 0.00038 and 0.00042; 1000 Genomes Project 30x 0.00078; 1000 Genomes Project 0.00100; TOPMed 0.00023; gnomAD exomes 0.00024 and 0.00034; ESP Exome Variant Server 0.00031; ExAC 0.00037.
gnomAD v4.1: 569 of 1,614,002 alleles (0.035%); highest among the groups gnomAD compares: South Asian, 0.067%; 1 homozygote.

Submissions (7):

Labcorp Genetics (formerly Invitae), Labcorp
Classification: Likely benign for Familial temporal lobe epilepsy 7; Norman-Roberts syndrome. Last evaluated: 2026-01-21. Review status: criteria provided, single submitter. Criteria: Invitae Variant Classification Sherloc (09022015). Collection method: clinical testing. Allele origin: germline.

CeGaT Center for Human Genetics Tuebingen
Classification: Likely benign. Last evaluated: 2025-10-01. Review status: criteria provided, single submitter. Criteria: CeGaT Center For Human Genetics Tuebingen Variant Classification Criteria Version 2. Collection method: clinical testing. Allele origin: germline. Affected: yes. Observed: 8 variant alleles.
Comment: RELN: BP4, BP7

PreventionGenetics, part of Exact Sciences
Classification: Likely benign for RELN-related condition. Last evaluated: 2025-05-21. Review status: criteria provided, single submitter. Criteria: ACMG Guidelines, 2015. Collection method: clinical testing. Allele origin: germline.
Comment: This variant is classified as likely benign based on ACMG/AMP sequence variant interpretation guidelines (Richards et al. 2015 PMID: 25741868, with internal and published modifications).

Blueprint Genetics
Classification: Uncertain significance. Last evaluated: 2022-12-30. Review status: criteria provided, single submitter. Criteria: ACMG Guidelines, 2015. Collection method: clinical testing. Allele origin: germline.

GeneDx
Classification: Likely benign. Last evaluated: 2020-08-05. Review status: criteria provided, single submitter. Criteria: GeneDx Variant Classification Process June 2021. Collection method: clinical testing. Allele origin: germline. Affected: yes.

Eurofins Ntd Llc (ga)
Classification: Uncertain significance. Last evaluated: 2018-01-18. Review status: criteria provided, single submitter. Criteria: EGL Classification Definitions 2015. Collection method: clinical testing. Allele origin: germline. Observed: 1 variant allele, 1 heterozygote.

Illumina Laboratory Services, Illumina
Classification: Uncertain significance for Norman-Roberts syndrome. Last evaluated: 2018-01-13. Review status: criteria provided, single submitter. Criteria: ICSL Variant Classification Criteria 13 December 2019. Collection method: clinical testing. Allele origin: germline.

NM_005045.4(RELN):c.5136G>A (p.Thr1712=)

Gene: RELN (reelin; minus strand). Cytogenetic location: 7q22.1.
Variant type: single nucleotide variant.
Coding change: c.5136G>A on transcript NM_005045.4 (MANE Select); coding-DNA position 5136, G replaced by A.
Protein change: p.Thr1712=; no amino-acid change (threonine 1712 retained).
Molecular consequence: synonymous variant.
Genome position (GRCh38, 1-based): chr7:103,565,352, C>T on the plus strand (G>A on the coding strand, the complement: RELN is on the minus strand). VCF-style: chr7-103565352-C-T. GRCh37 (hg19) VCF-style: chr7-103205799-C-T.
Other names: c.5136G>A, p.Thr1712= (NM_173054.3).
Identifiers: ClinVar variation 358397 (VCV000358397.62), dbSNP rs147933593, ClinGen allele CA4421322.